The following is an entry in ClinVar:

ClinVar aggregate classification (germline): Uncertain significance (1 of 4 stars; one submission).

Conditions:
Multiple endocrine neoplasia, type 1 (MEN1). Also called: MEN I; WERMER SYNDROME; Endocrine adenomatosis multiple; MEN 1; MEA I. Identifiers: Orphanet 652, MedGen C0025267, MeSH D018761, MONDO:0007540, OMIM 131100.

Submission:

Labcorp Genetics (formerly Invitae), Labcorp
Classification: Uncertain significance for Multiple endocrine neoplasia, type 1. Last evaluated: 2025-12-10. Review status: criteria provided, single submitter. Criteria: Invitae Variant Classification Sherloc (09022015). Collection method: clinical testing. Allele origin: germline.
Comment: This sequence change replaces valine, which is neutral and non-polar, with phenylalanine, which is neutral and non-polar, at codon 58 of the MEN1 protein (p.Val58Phe). This variant is not present in population databases (gnomAD no frequency). This variant has not been reported in the literature in individuals affected with MEN1-related conditions. Invitae Evidence Modeling of protein sequence and biophysical properties (such as structural, functional, and spatial information, amino acid conservation, physicochemical variation, residue mobility, and thermodynamic stability) indicates that this missense variant is expected to disrupt MEN1 protein function with a positive predictive value of 95%. In summary, the available evidence is currently insufficient to determine the role of this variant in disease. Therefore, it has been classified as a Variant of Uncertain Significance.

NM_001370259.2(MEN1):c.172G>T (p.Val58Phe)

Gene: MEN1 (menin 1; minus strand). Cytogenetic location: 11q13.1.
Variant type: single nucleotide variant.
Coding change: c.172G>T on transcript NM_001370259.2 (MANE Select); coding-DNA position 172, G replaced by T.
Protein change: p.Val58Phe; replaces valine 58 with phenylalanine.
Molecular consequence: missense variant. On other transcripts: non-coding transcript variant (4).
Genome position (GRCh38, 1-based): chr11:64,809,938, C>A on the plus strand (G>T on the coding strand, the complement: MEN1 is on the minus strand). VCF-style: chr11-64809938-C-A. GRCh37 (hg19) VCF-style: chr11-64577410-C-A.
Other names: c.172G>T, p.Val58Phe (NM_000244.4, NM_001370251.2, NM_001370260.2 and 20 more transcripts); short protein forms V58F.
Identifiers: ClinVar variation 4781267 (VCV004781267.1).